The following is an entry in ClinVar:

ClinVar aggregate classification (germline): Likely benign (1 of 4 stars; one submission).

Allele frequency attached by ClinVar (database versions not stated): gnomAD exomes 0.00079; ExAC 0.00096; gnomAD 0.00141; TOPMed 0.00148; ESP Exome Variant Server 0.00161; 1000 Genomes Project 0.00240; 1000 Genomes Project 30x 0.00265.

Submission:

CeGaT Center for Human Genetics Tuebingen
Classification: Likely benign. Last evaluated: 2023-02-01. Review status: criteria provided, single submitter. Criteria: CeGaT Center For Human Genetics Tuebingen Variant Classification Criteria Version 2. Collection method: clinical testing. Allele origin: germline. Affected: yes. Observed: 1 variant allele.
Comment: SH3BP4: BP4

NM_014521.3(SH3BP4):c.1588G>A (p.Val530Ile)

Gene: SH3BP4 (SH3 domain binding protein 4; plus strand). Cytogenetic location: 2q37.2.
Variant type: single nucleotide variant.
Coding change: c.1588G>A on transcript NM_014521.3 (MANE Select); coding-DNA position 1588, G replaced by A.
Protein change: p.Val530Ile; replaces valine 530 with isoleucine.
Molecular consequence: missense variant.
Genome position (GRCh38, 1-based): chr2:235,042,357, G>A. VCF-style: chr2-235042357-G-A. GRCh37 (hg19) VCF-style: chr2-235951001-G-A.
Other names: c.1588G>A, p.Val530Ile (NM_001371302.1, NM_001371303.1, NM_001371304.1 and 2 more transcripts); short protein forms V530I.
Identifiers: ClinVar variation 2652031 (VCV002652031.24), dbSNP rs114242502, ClinGen allele CA2183792.
Genomic context (GRCh38, chr2:235,042,357, plus strand): 5'-ACACGCCAGGCACCCAACCCTGCCCCGGTGGCCCTGCAGCTGTGGGGGAAGCACCAGTTC[G>A]TTTTGTCCAGGCCCCAGGATCTCAAGGTCTGTATGTTTTCCAATATGACGAATTACGAGG-3'
Protein context (NP_055336.1, residues 520-540): ALQLWGKHQF[Val530Ile]LSRPQDLKVC